The following is an entry in ClinVar:

NM_001271938.2(MEGF8):c.1117G>A (p.Gly373Arg)

Gene: MEGF8 (multiple EGF like domains 8; plus strand). Cytogenetic location: 19q13.2.
Variant type: single nucleotide variant.
Coding change: c.1117G>A on transcript NM_001271938.2 (MANE Select); coding-DNA position 1117, G replaced by A.
Protein change: p.Gly373Arg; replaces glycine 373 with arginine.
Molecular consequence: missense variant.
Genome position (GRCh38, 1-based): chr19:42,336,219, G>A. VCF-style: chr19-42336219-G-A. GRCh37 (hg19) VCF-style: chr19-42840371-G-A.
Other names: c.1117G>A, p.Gly373Arg (NM_001410.3); short protein forms G373R.
Identifiers: ClinVar variation 1926232 (VCV001926232.5), dbSNP rs780619794, ClinGen allele CA9474348.

ClinVar aggregate classification (germline): Uncertain significance (1 of 4 stars; one submission).

Conditions:
MEGF8-related Carpenter syndrome. Also called: Carpenter syndrome 2. Identifiers: Orphanet 65759, MedGen C3554247, MONDO:0013998, OMIM 614976.

Allele frequency attached by ClinVar (database versions not stated): ExAC 0.00001; gnomAD exomes 0.00001; gnomAD 0.00002; TOPMed 0.00003.
gnomAD v4.1: 14 of 1,609,364 alleles (0.00087%); highest among the groups gnomAD compares: East Asian, 0.0067%; no homozygotes.

Submission:

Labcorp Genetics (formerly Invitae), Labcorp
Classification: Uncertain significance for MEGF8-related Carpenter syndrome. Last evaluated: 2025-10-02. Review status: criteria provided, single submitter. Criteria: Invitae Variant Classification Sherloc (09022015). Collection method: clinical testing. Allele origin: germline.
Comment: This sequence change replaces glycine, which is neutral and non-polar, with arginine, which is basic and polar, at codon 373 of the MEGF8 protein (p.Gly373Arg). This variant is present in population databases (rs780619794, gnomAD 0.006%). This variant has not been reported in the literature in individuals affected with MEGF8-related conditions. ClinVar contains an entry for this variant (Variation ID: 1926232). An algorithm developed to predict the effect of missense changes on protein structure and function outputs the following: PolyPhen-2: "Benign". The arginine amino acid residue is found in multiple mammalian species, which suggests that this missense change does not adversely affect protein function. In summary, the available evidence is currently insufficient to determine the role of this variant in disease. Therefore, it has been classified as a Variant of Uncertain Significance.